The following is an entry in ClinVar:

NM_001101362.3(KBTBD13):c.81G>A (p.Glu27=)

Gene: KBTBD13 (kelch repeat and BTB domain containing 13; plus strand). Cytogenetic location: 15q22.31.
Variant type: single nucleotide variant.
Coding change: c.81G>A on transcript NM_001101362.3 (MANE Select); coding-DNA position 81, G replaced by A.
Protein change: p.Glu27=; no amino-acid change (glutamic acid 27 retained).
Molecular consequence: synonymous variant.
Genome position (GRCh38, 1-based): chr15:65,076,896, G>A. VCF-style: chr15-65076896-G-A. GRCh37 (hg19) VCF-style: chr15-65369234-G-A.
Identifiers: ClinVar variation 3706992 (VCV003706992.2).
Genomic context (GRCh38, chr15:65,076,896, plus strand): 5'-CCTGGTGCAGGTGTGGGTGGGCGGCCAGCTCTTCCAAGCCGACCGCGCCCTGCTGGTGGA[G>A]CACTGTGGCTTCTTCCGAGGCCTCTTCCGCTCCGGCATGCGGGAGACCCGCGCAGCAGAG-3'
Protein context (NP_001094832.1, residues 17-37): LFQADRALLV[Glu27=]HCGFFRGLFR

ClinVar aggregate classification (germline): Uncertain significance (1 of 4 stars; one submission).

Conditions:
Nemaline myopathy 6 (NEM6). Also called: Nemaline myopathy 6, autosomal dominant. Identifiers: Orphanet 171439, MedGen C1836472, MONDO:0012237, OMIM 609273.

Submission:

Labcorp Genetics (formerly Invitae), Labcorp
Classification: Uncertain significance for Nemaline myopathy 6. Last evaluated: 2024-12-19. Review status: criteria provided, single submitter. Criteria: Invitae Variant Classification Sherloc (09022015). Collection method: clinical testing. Allele origin: germline.
Comment: This sequence change affects codon 27 of the KBTBD13 mRNA. It is a 'silent' change, meaning that it does not change the encoded amino acid sequence of the KBTBD13 protein. The frequency data for this variant in the population databases is considered unreliable, as metrics indicate poor data quality at this position in the gnomAD database. This variant has not been reported in the literature in individuals affected with KBTBD13-related conditions. In summary, the available evidence is currently insufficient to determine the role of this variant in disease. Therefore, it has been classified as a Variant of Uncertain Significance.